The following is an entry in ClinVar:

ClinVar aggregate classification (germline): Uncertain significance (1 of 4 stars; one submission).

Conditions:
Cardiovascular phenotype. Identifiers: MedGen CN230736.

Submission:

Ambry Genetics
Classification: Uncertain significance for Cardiovascular phenotype. Last evaluated: 2025-07-12. Review status: criteria provided, single submitter. Criteria: Ambry Variant Classification Scheme 2023. Collection method: clinical testing. Allele origin: germline.
Comment: The p.E2498K variant (also known as c.7492G>A), located in coding exon 24 of the DSP gene, results from a G to A substitution at nucleotide position 7492. The glutamic acid at codon 2498 is replaced by lysine, an amino acid with similar properties. This amino acid position is conserved. In addition, the in silico prediction for this alteration is inconclusive. Based on the available evidence, the clinical significance of this variant remains unclear.

NM_004415.4(DSP):c.7492G>A (p.Glu2498Lys)

Gene: DSP (desmoplakin; plus strand). Cytogenetic location: 6p24.3.
Variant type: single nucleotide variant.
Coding change: c.7492G>A on transcript NM_004415.4 (MANE Select); coding-DNA position 7492, G replaced by A.
Protein change: p.Glu2498Lys; replaces glutamic acid 2498 with lysine.
Molecular consequence: missense variant.
Genome position (GRCh38, 1-based): chr6:7,584,754, G>A. VCF-style: chr6-7584754-G-A. GRCh37 (hg19) VCF-style: chr6-7584987-G-A.
Other names: c.5695G>A, p.Glu1899Lys (NM_001008844.3); c.6163G>A, p.Glu2055Lys (NM_001319034.2); short protein forms E2055K, E2498K, E1899K.
Identifiers: ClinVar variation 4245113 (VCV004245113.1).